The following is an entry in ClinVar:

NM_001035.3(RYR2):c.4110T>A (p.Phe1370Leu)

Genes: RYR2 (ryanodine receptor 2; plus strand), LOC126806067 (BRD4-independent group 4 enhancer GRCh37_chr1:237753258-237754457; plus strand). Cytogenetic location: 1q43.
Variant type: single nucleotide variant.
Coding change: c.4110T>A on transcript NM_001035.3 (MANE Select); coding-DNA position 4110, T replaced by A.
Protein change: p.Phe1370Leu; replaces phenylalanine 1370 with leucine.
Molecular consequence: missense variant.
Genome position (GRCh38, 1-based): chr1:237,590,942, T>A. VCF-style: chr1-237590942-T-A. GRCh37 (hg19) VCF-style: chr1-237754242-T-A.
Other names: short protein forms F1370L.
Identifiers: ClinVar variation 2180968 (VCV002180968.4), dbSNP rs1307182609, ClinGen allele CA345397764.

ClinVar aggregate classification (germline): Uncertain significance (1 of 4 stars; one submission).

Conditions:
Catecholaminergic polymorphic ventricular tachycardia 1. Also called: VENTRICULAR TACHYCARDIA, STRESS-INDUCED POLYMORPHIC 1; VENTRICULAR TACHYCARDIA, CATECHOLAMINERGIC POLYMORPHIC, 1, WITH OR WITHOUT ATRIAL DYSFUNCTION AND/OR DILATED CARDIOMYOPATHY; RYR2-Related Catecholaminergic Polymorphic Ventricular Tachycardia. Identifiers: Orphanet 3286, MedGen C1631597, MONDO:0011484, OMIM 604772.

Allele frequency attached by ClinVar (database versions not stated): TOPMed below 0.00001.

Submission:

Labcorp Genetics (formerly Invitae), Labcorp
Classification: Uncertain significance for Catecholaminergic polymorphic ventricular tachycardia 1. Last evaluated: 2022-10-19. Review status: criteria provided, single submitter. Criteria: Invitae Variant Classification Sherloc (09022015). Collection method: clinical testing. Allele origin: germline.
Comment: In summary, the available evidence is currently insufficient to determine the role of this variant in disease. Therefore, it has been classified as a Variant of Uncertain Significance. Advanced modeling of protein sequence and biophysical properties (such as structural, functional, and spatial information, amino acid conservation, physicochemical variation, residue mobility, and thermodynamic stability) performed at Invitae indicates that this missense variant is not expected to disrupt RYR2 protein function. This variant has not been reported in the literature in individuals affected with RYR2-related conditions. This variant is not present in population databases (gnomAD no frequency). This sequence change replaces phenylalanine, which is neutral and non-polar, with leucine, which is neutral and non-polar, at codon 1370 of the RYR2 protein (p.Phe1370Leu).